The following is an entry in ClinVar:

NM_001042492.3(NF1):c.2281del (p.Ala761fs)

Gene: NF1 (neurofibromin 1; plus strand). Cytogenetic location: 17q11.2.
Variant type: Deletion.
Coding change: c.2281del on transcript NM_001042492.3 (MANE Select); coding-DNA position 2281, one base deleted (G; older notation c.2281delG).
Protein change: p.Ala761fs; shifts the reading frame from alanine 761.
Molecular consequence: frameshift variant.
Genome position (GRCh38, 1-based): chr17:31,227,247, G deleted; the last of 2 consecutive G bases (chr17:31,227,246-31,227,247); deleting either gives the same sequence. VCF-style (leftmost placement, unchanged base first): chr17-31227245-TG-T. GRCh37 (hg19) VCF-style: chr17-29554263-TG-T.
Other names: c.2281delG, p.Ala761Hisfs (NM_000267.4); short protein forms A761fs.
Identifiers: ClinVar variation 2744695 (VCV002744695.3), dbSNP rs2508165888, ClinGen allele CA2697559719.

ClinVar aggregate classification (germline): Pathogenic (1 of 4 stars; one submission).

Conditions:
Neurofibromatosis, type 1 (NF1). Also called: Peripheral type neurofibromatosis; NEUROFIBROMATOSIS, TYPE I, SOMATIC; VON RECKLINGHAUSEN DISEASE; Neurofibromatosis, type I. Identifiers: Orphanet 636, MedGen C0027831, MONDO:0018975, OMIM 162200. Disease mechanism: loss of function.

Submission:

Labcorp Genetics (formerly Invitae), Labcorp
Classification: Pathogenic for Neurofibromatosis, type 1. Last evaluated: 2023-07-28. Review status: criteria provided, single submitter. Criteria: Invitae Variant Classification Sherloc (09022015). Collection method: clinical testing. Allele origin: germline.
Comment: This sequence change creates a premature translational stop signal (p.Ala761Hisfs*3) in the NF1 gene. It is expected to result in an absent or disrupted protein product. Loss-of-function variants in NF1 are known to be pathogenic (PMID: 10712197, 23913538). For these reasons, this variant has been classified as Pathogenic. This variant has not been reported in the literature in individuals affected with NF1-related conditions. This variant is not present in population databases (gnomAD no frequency).

Literature cited by the submitters: PubMed 10712197; PubMed 23913538.